The following is an entry in ClinVar:

ClinVar aggregate classification (germline): Conflicting classifications of pathogenicity. Review status: criteria provided, conflicting classifications (1 of 4 stars). 2 submissions from 2 submitters: Uncertain significance (1); Likely benign (1). Last evaluated 2026-01-21.

Conditions:
Ellis-van Creveld syndrome (EVC). Also called: MESOECTODERMAL DYSPLASIA; Chondroectodermal dysplasia. Identifiers: Orphanet 289, MedGen C0013903, MONDO:0009162, OMIM 225500.
Curry-Hall syndrome (WAD). Also called: WEYERS ACRODENTAL DYSOSTOSIS. Identifiers: Orphanet 952, MedGen C0457013, MONDO:0008673, OMIM 193530.
Inborn genetic diseases. Identifiers: MedGen C0950123, MeSH D030342.

Allele frequency attached by ClinVar (database versions not stated): ExAC 0.00038; 1000 Genomes Project 0.00040; 1000 Genomes Project 30x 0.00078; gnomAD 0.00078 and 0.00085; TOPMed 0.00089; ESP Exome Variant Server 0.00123.
gnomAD v4.1: 286 of 1,614,154 alleles (0.018%); highest among the groups gnomAD compares: African/African-American, 0.26%; no homozygotes.

Submissions (2):

Ambry Genetics
Classification: Uncertain significance for Inborn genetic diseases. Last evaluated: 2026-01-21. Review status: criteria provided, single submitter. Criteria: Ambry Variant Classification Scheme 2023. Collection method: clinical testing. Allele origin: germline.
Comment: The c.1612C>G (p.L538V) alteration is located in exon 12 (coding exon 12) of the EVC gene. This alteration results from a C to G substitution at nucleotide position 1612, causing the leucine (L) at amino acid position 538 to be replaced by a valine (V). Based on data from gnomAD, the G allele has an overall frequency of 0.028% (79/282816) total alleles studied. The highest observed frequency was 0.277% (69/24958) of African alleles. Based on insufficient or conflicting evidence, the clinical significance of this alteration remains unclear.

Labcorp Genetics (formerly Invitae), Labcorp
Classification: Likely benign for Curry-Hall syndrome; Ellis-van Creveld syndrome. Last evaluated: 2026-01-15. Review status: criteria provided, single submitter. Criteria: Invitae Variant Classification Sherloc (09022015). Collection method: clinical testing. Allele origin: germline.

NM_153717.3(EVC):c.1612C>G (p.Leu538Val)

Gene: EVC (EvC ciliary complex subunit 1; plus strand). Cytogenetic location: 4p16.2.
Variant type: single nucleotide variant.
Coding change: c.1612C>G on transcript NM_153717.3 (MANE Select); coding-DNA position 1612, C replaced by G.
Protein change: p.Leu538Val; replaces leucine 538 with valine.
Molecular consequence: missense variant.
Genome position (GRCh38, 1-based): chr4:5,783,600, C>G. VCF-style: chr4-5783600-C-G. GRCh37 (hg19) VCF-style: chr4-5785327-C-G.
Other names: c.1612C>G, p.Leu538Val (NM_001306090.2); short protein forms L538V.
Identifiers: ClinVar variation 766973 (VCV000766973.14), dbSNP rs147772724, ClinGen allele CA2836200.